The following is an entry in ClinVar:

ClinVar aggregate classification (germline): Uncertain significance (1 of 4 stars; one submission).

Conditions:
Arrhythmogenic right ventricular dysplasia 9 (ARVD9). Also called: Arrhythmogenic Right Ventricular Dysplasia/Cardiomyopathy 9; ARRHYTHMOGENIC RIGHT VENTRICULAR DYSPLASIA, FAMILIAL, 9. Identifiers: MedGen C1836906, MONDO:0012180, OMIM 609040.

Submission:

Labcorp Genetics (formerly Invitae), Labcorp
Classification: Uncertain significance for Arrhythmogenic right ventricular dysplasia 9. Last evaluated: 2025-02-12. Review status: criteria provided, single submitter. Criteria: Invitae Variant Classification Sherloc (09022015). Collection method: clinical testing. Allele origin: germline.
Comment: This sequence change replaces asparagine, which is neutral and polar, with serine, which is neutral and polar, at codon 331 of the PKP2 protein (p.Asn331Ser). This variant is not present in population databases (gnomAD no frequency). This variant has not been reported in the literature in individuals affected with PKP2-related conditions. An algorithm developed to predict the effect of missense changes on protein structure and function outputs the following: PolyPhen-2: "Benign". The serine amino acid residue is found in multiple mammalian species, which suggests that this missense change does not adversely affect protein function. In summary, the available evidence is currently insufficient to determine the role of this variant in disease. Therefore, it has been classified as a Variant of Uncertain Significance.

NM_001005242.3(PKP2):c.992A>G (p.Asn331Ser)

Gene: PKP2 (plakophilin 2; minus strand). Cytogenetic location: 12p11.21.
Variant type: single nucleotide variant.
Coding change: c.992A>G on transcript NM_001005242.3 (MANE Select); coding-DNA position 992, A replaced by G.
Protein change: p.Asn331Ser; replaces asparagine 331 with serine.
Molecular consequence: missense variant.
Genome position (GRCh38, 1-based): chr12:32,877,888, T>C on the plus strand (A>G on the coding strand, the complement: PKP2 is on the minus strand). VCF-style: chr12-32877888-T-C. GRCh37 (hg19) VCF-style: chr12-33030822-T-C.
Other names: c.992A>G, p.Asn331Ser (NM_001407155.1, NM_001407156.1, NM_001407157.1 and 2 more transcripts); c.665A>G, p.Asn222Ser (NM_001407158.1, NM_001407159.1, NM_001407160.1 and 1 more transcripts); short protein forms N331S, N222S.
Identifiers: ClinVar variation 4712857 (VCV004712857.1).